The following is an entry in ClinVar:

ClinVar aggregate classification (germline): Uncertain significance (1 of 4 stars; one submission).

Submission:

GeneDx
Classification: Uncertain significance. Last evaluated: 2023-06-22. Review status: criteria provided, single submitter. Criteria: GeneDx Variant Classification Process June 2021. Collection method: clinical testing. Allele origin: germline. Affected: yes.
Comment: Not observed at significant frequency in large population cohorts (gnomAD); In silico analysis supports that this missense variant has a deleterious effect on protein structure/function; Has not been previously published as pathogenic or benign to our knowledge

NM_017780.4(CHD7):c.4056C>A (p.Phe1352Leu)

Gene: CHD7 (chromodomain helicase DNA binding protein 7; plus strand). Cytogenetic location: 8q12.2.
Variant type: single nucleotide variant.
Coding change: c.4056C>A on transcript NM_017780.4 (MANE Select); coding-DNA position 4056, C replaced by A.
Protein change: p.Phe1352Leu; replaces phenylalanine 1352 with leucine.
Molecular consequence: missense variant. On other transcripts: intron variant (1).
Genome position (GRCh38, 1-based): chr8:60,836,883, C>A. VCF-style: chr8-60836883-C-A. GRCh37 (hg19) VCF-style: chr8-61749442-C-A.
Other names: c.1717-25346C>A (NM_001316690.1); short protein forms F1352L.
Identifiers: ClinVar variation 1311460 (VCV001311460.3), dbSNP rs2150777183, ClinGen allele CA371316708.